The following is an entry in ClinVar:

NM_019032.6(ADAMTSL4):c.749G>A (p.Arg250Gln)

Genes: ADAMTSL4 (ADAMTS like 4; plus strand), ADAMTSL4-AS2 (ADAMTSL4 antisense RNA 2; minus strand). Cytogenetic location: 1q21.2.
Variant type: single nucleotide variant.
Coding change: c.749G>A on transcript NM_019032.6 (MANE Select); coding-DNA position 749, G replaced by A.
Protein change: p.Arg250Gln; replaces arginine 250 with glutamine.
Molecular consequence: missense variant.
Genome position (GRCh38, 1-based): chr1:150,553,740, G>A. VCF-style: chr1-150553740-G-A. GRCh37 (hg19) VCF-style: chr1-150526216-G-A.
Other names: c.749G>A, p.Arg250Gln (NM_001288607.2, NM_001288608.2, NM_001378596.1 and 1 more transcripts); short protein forms R250Q.
Identifiers: ClinVar variation 292522 (VCV000292522.16), dbSNP rs145673891, ClinGen allele CA1078030.
Genomic context (GRCh38, chr1:150,553,740, plus strand): 5'-CTCTAAGCCCTGAAACTGCTCAGACAGAGGTGGCCCCCAGAACCAGGCCTGCCCCCCTAC[G>A]GCATCACCCCAGAGCCCAGGCCTCTGGCACAGAGCCCCCCTCACCCACGCACTCCTTAGG-3'
Protein context (NP_061905.2, residues 240-260): VAPRTRPAPL[Arg250Gln]HHPRAQASGT

ClinVar aggregate classification (germline): Conflicting classifications of pathogenicity. Review status: criteria provided, conflicting classifications (1 of 4 stars). 5 submissions from 5 submitters: Uncertain significance (2); Likely benign (3). Last evaluated 2026-01-20.

Conditions:
ADAMTSL4-related disorder. Also called: ADAMTSL4-related condition; ADAMTSL4-Related Disorders.
Inborn genetic diseases. Identifiers: MedGen C0950123, MeSH D030342.
Ectopia lentis 2, isolated, autosomal recessive (ECTOL2). Identifiers: Orphanet 1885, MedGen C3541474, MONDO:0009152, OMIM 225100.

Allele frequency attached by ClinVar (database versions not stated): ExAC 0.00035; ESP Exome Variant Server 0.00038; TOPMed 0.00043; gnomAD exomes 0.00046; gnomAD 0.00050 and 0.00051.
gnomAD v4.1: 476 of 1,611,792 alleles (0.03%); highest among the groups gnomAD compares: Admixed American, 0.12%; 1 homozygote.

Submissions (5):

Labcorp Genetics (formerly Invitae), Labcorp
Classification: Likely benign. Last evaluated: 2026-01-20. Review status: criteria provided, single submitter. Criteria: Invitae Variant Classification Sherloc (09022015). Collection method: clinical testing. Allele origin: germline.

PreventionGenetics, part of Exact Sciences
Classification: Likely benign for ADAMTSL4-related condition. Last evaluated: 2025-02-08. Review status: criteria provided, single submitter. Criteria: ACMG Guidelines, 2015. Collection method: clinical testing. Allele origin: germline.
Comment: This variant is classified as likely benign based on ACMG/AMP sequence variant interpretation guidelines (Richards et al. 2015 PMID: 25741868, with internal and published modifications).

Blueprint Genetics
Classification: Uncertain significance. Last evaluated: 2024-11-22. Review status: criteria provided, single submitter. Criteria: ACMG Guidelines, 2015. Collection method: clinical testing. Allele origin: germline.

Ambry Genetics
Classification: Likely benign for Inborn genetic diseases. Last evaluated: 2022-01-19. Review status: criteria provided, single submitter. Criteria: Ambry Variant Classification Scheme 2023. Collection method: clinical testing. Allele origin: germline.

Illumina Laboratory Services, Illumina
Classification: Uncertain significance for Ectopia lentis 2, isolated, autosomal recessive. Last evaluated: 2018-01-13. Review status: criteria provided, single submitter. Criteria: ICSL Variant Classification Criteria 13 December 2019. Collection method: clinical testing. Allele origin: germline.